The following is an entry in ClinVar:

NM_024426.6(WT1):c.919G>C (p.Glu307Gln)

Gene: WT1 (WT1 transcription factor; minus strand). Cytogenetic location: 11p13.
Variant type: single nucleotide variant.
Coding change: c.919G>C on transcript NM_024426.6 (MANE Select); coding-DNA position 919, G replaced by C.
Protein change: p.Glu307Gln; replaces glutamic acid 307 with glutamine.
Molecular consequence: missense variant. On other transcripts: non-coding transcript variant (1).
Genome position (GRCh38, 1-based): chr11:32,417,623, C>G on the plus strand (G>C on the coding strand, the complement: WT1 is on the minus strand). VCF-style: chr11-32417623-C-G. GRCh37 (hg19) VCF-style: chr11-32439169-C-G.
Other names: c.919G>C, p.Glu307Gln (NM_000378.6, NM_001407044.1, NM_001407045.1 and 4 more transcripts); c.268G>C, p.Glu90Gln (NM_001198551.2, NM_001198552.2); c.796G>C, p.Glu266Gln (NM_001407047.1, NM_001407050.1); c.157G>C, p.Glu53Gln (NM_001407051.1); c.904G>C, p.Glu302Gln (NM_024425.2); short protein forms E90Q, E307Q, E266Q, E302Q, E53Q.
Identifiers: ClinVar variation 968408 (VCV000968408.11), dbSNP rs1852718651, ClinGen allele CA379962155.

ClinVar aggregate classification (germline): Uncertain significance (1 of 4 stars; one submission).

Conditions:
Drash syndrome (DDS). Also called: WILMS TUMOR AND PSEUDO- OR TRUE HERMAPHRODITISM; NEPHROPATHY, WILMS TUMOR, AND GENITAL ANOMALIES. Identifiers: Orphanet 220, MedGen C0950121, MONDO:0008682, OMIM 194080.
Frasier syndrome. Identifiers: Orphanet 347, MedGen C0950122, MeSH D052159, MONDO:0007635, OMIM 136680.
Wilms tumor 1 (WT1). Also called: Wilms tumor, somatic. Identifiers: Orphanet 654, MedGen CN033288, MONDO:0008679, OMIM 194070.
11p partial monosomy syndrome (WAGR). Also called: WAGR syndrome; CHROMOSOME 11p13 DELETION SYNDROME; WAGR Complex; WAGR Spectrum Disorder. Identifiers: Orphanet 893, MedGen C0206115, MONDO:0008681, OMIM 194072.

Submission:

Labcorp Genetics (formerly Invitae), Labcorp
Classification: Uncertain significance for Wilms tumor 1; Drash syndrome; 11p partial monosomy syndrome; Frasier syndrome. Last evaluated: 2019-10-10. Review status: criteria provided, single submitter. Criteria: Invitae Variant Classification Sherloc (09022015). Collection method: clinical testing. Allele origin: germline.
Comment: In summary, the available evidence is currently insufficient to determine the role of this variant in disease. Therefore, it has been classified as a Variant of Uncertain Significance. Algorithms developed to predict the effect of missense changes on protein structure and function (SIFT, PolyPhen-2, Align-GVGD) all suggest that this variant is likely to be disruptive, but these predictions have not been confirmed by published functional studies and their clinical significance is uncertain. This variant has not been reported in the literature in individuals with WT1-related conditions. This variant is not present in population databases (ExAC no frequency). This sequence change replaces glutamic acid with glutamine at codon 302 of the WT1 protein (p.Glu302Gln). The glutamic acid residue is highly conserved and there is a small physicochemical difference between glutamic acid and glutamine.